The following is an entry in ClinVar:

NM_021922.3(FANCE):c.542C>T (p.Pro181Leu)

Gene: FANCE (FA complementation group E; plus strand). Cytogenetic location: 6p21.31.
Variant type: single nucleotide variant.
Coding change: c.542C>T on transcript NM_021922.3 (MANE Select); coding-DNA position 542, C replaced by T.
Protein change: p.Pro181Leu; replaces proline 181 with leucine.
Molecular consequence: missense variant.
Genome position (GRCh38, 1-based): chr6:35,456,040, C>T. VCF-style: chr6-35456040-C-T. GRCh37 (hg19) VCF-style: chr6-35423817-C-T.
Other names: short protein forms P181L.
Identifiers: ClinVar variation 861240 (VCV000861240.11), dbSNP rs1767323169, ClinGen allele CA363773120.

ClinVar aggregate classification (germline): Uncertain significance (1 of 4 stars; one submission).

Conditions:
Fanconi anemia complementation group E (FANCE). Also called: FANCE-Related Fanconi Anemia. Identifiers: Orphanet 84, MedGen C3160739, MONDO:0010953, OMIM 600901.

Submission:

Labcorp Genetics (formerly Invitae), Labcorp
Classification: Uncertain significance for Fanconi anemia complementation group E. Last evaluated: 2022-02-20. Review status: criteria provided, single submitter. Criteria: Invitae Variant Classification Sherloc (09022015). Collection method: clinical testing. Allele origin: germline.
Comment: ClinVar contains an entry for this variant (Variation ID: 861240). In summary, the available evidence is currently insufficient to determine the role of this variant in disease. Therefore, it has been classified as a Variant of Uncertain Significance. Algorithms developed to predict the effect of missense changes on protein structure and function output the following: SIFT: "Tolerated"; PolyPhen-2: "Benign"; Align-GVGD: "Class C0". The leucine amino acid residue is found in multiple mammalian species, which suggests that this missense change does not adversely affect protein function. This variant has not been reported in the literature in individuals affected with FANCE-related conditions. This variant is not present in population databases (gnomAD no frequency). This sequence change replaces proline, which is neutral and non-polar, with leucine, which is neutral and non-polar, at codon 181 of the FANCE protein (p.Pro181Leu).